The following is an entry in ClinVar:

NM_001378477.3(NYX):c.110G>A (p.Arg37His)

Gene: NYX (nyctalopin; plus strand). Cytogenetic location: Xp11.4.
Variant type: single nucleotide variant.
Coding change: c.110G>A on transcript NM_001378477.3 (MANE Select); coding-DNA position 110, G replaced by A.
Protein change: p.Arg37His; replaces arginine 37 with histidine.
Molecular consequence: missense variant.
Genome position (GRCh38, 1-based): chrX:41,473,578, G>A. VCF-style: chrX-41473578-G-A. GRCh37 (hg19) VCF-style: chrX-41332831-G-A.
Other names: c.110G>A, p.Arg37His (NM_022567.3); short protein forms R42H, R37H.
Identifiers: ClinVar variation 836661 (VCV000836661.9), dbSNP rs2046561777, ClinGen allele CA412989425.

ClinVar aggregate classification (germline): Uncertain significance (1 of 4 stars; one submission).

Allele frequency attached by ClinVar (database versions not stated): gnomAD exomes 0.00001; TOPMed 0.00001.
gnomAD v4.1: 7 of 1,005,493 alleles (0.0007%); highest among the groups gnomAD compares: East Asian, 0.014%; no homozygotes.

Submission:

Labcorp Genetics (formerly Invitae), Labcorp
Classification: Uncertain significance. Last evaluated: 2020-02-24. Review status: criteria provided, single submitter. Criteria: Invitae Variant Classification Sherloc (09022015). Collection method: clinical testing. Allele origin: germline.
Comment: This sequence change replaces arginine with histidine at codon 42 of the NYX protein (p.Arg42His). The arginine residue is highly conserved and there is a small physicochemical difference between arginine and histidine. The frequency data for this variant in the population databases is considered unreliable, as metrics indicate insufficient coverage at this position in the ExAC database. This variant has not been reported in the literature in individuals with NYX-related conditions. Algorithms developed to predict the effect of missense changes on protein structure and function output the following: SIFT: "Deleterious"; PolyPhen-2: "Benign"; Align-GVGD: "Class C25". The histidine amino acid residue is found in multiple mammalian species, suggesting that this missense change does not adversely affect protein function. These predictions have not been confirmed by published functional studies and their clinical significance is uncertain. In summary, the available evidence is currently insufficient to determine the role of this variant in disease. Therefore, it has been classified as a Variant of Uncertain Significance.